The following is an entry in ClinVar:

ClinVar aggregate classification (germline): Benign. Review status: criteria provided, multiple submitters, no conflicts (2 of 4 stars). 2 submissions from 2 submitters: Benign (2). Last evaluated 2018-01-13.

Conditions:
Renal hypomagnesemia 5 with ocular involvement. Also called: FHHNC WITH SEVERE OCULAR INVOLVEMENT; HYPOMAGNESEMIA, FAMILIAL, WITH HYPERCALCIURIA, NEPHROCALCINOSIS, AND SEVERE OCULAR INVOLVEMENT; MACULAR COLOBOMA, BILATERAL, WITH HYPERCALCIURIA; HYPOMAGNESEMIA 5, RENAL, WITH OR WITHOUT OCULAR INVOLVEMENT. Identifiers: Orphanet 2196, MedGen C4721891, MONDO:0009548, OMIM 248190.

Allele frequency attached by ClinVar (database versions not stated): gnomAD exomes 0.17470; gnomAD 0.18945 and 0.19322; 1000 Genomes Project 30x 0.19051; 1000 Genomes Project 0.19069; TOPMed 0.20217.
gnomAD v4.1: 28,836 of 152,282 alleles (19%); highest among the groups gnomAD compares: African/African-American, 27%; 3,009 homozygotes.

Submissions (2):

Illumina Laboratory Services, Illumina
Classification: Benign for Renal hypomagnesemia 5 with ocular involvement. Last evaluated: 2018-01-13. Review status: criteria provided, single submitter. Criteria: ICSL Variant Classification Criteria 13 December 2019. Collection method: clinical testing. Allele origin: germline.
Comment: This variant was observed in the ICSL laboratory as part of a predisposition screen in an ostensibly healthy population. It had not been previously curated by ICSL or reported in the Human Gene Mutation Database (HGMD: prior to June 1st, 2018), and was therefore a candidate for classification through an automated scoring system. Utilizing variant allele frequency, disease prevalence and penetrance estimates, and inheritance mode, an automated score was calculated to assess if this variant is too frequent to cause the disease. Based on the score and internal cut-off values, a variant classified as benign is not then subjected to further curation. The score for this variant resulted in a classification of benign for this disease.

Breakthrough Genomics
Classification: Benign. Review status: criteria provided, single submitter. Criteria: ACMG Guidelines, 2015. Collection method: not provided. Allele origin: germline. Inheritance: Autosomal recessive inheritance. Affected: yes.

NM_148960.3(CLDN19):c.*1642T>C

Gene: CLDN19 (claudin 19; minus strand). Cytogenetic location: 1p34.2.
Variant type: single nucleotide variant.
Coding change: c.*1642T>C on transcript NM_148960.3 (MANE Select); 1642 bases downstream of the stop codon, T replaced by C.
Molecular consequence: 3 prime UTR variant.
Genome position (GRCh38, 1-based): chr1:42,733,444, A>G on the plus strand (T>C on the coding strand, the complement: CLDN19 is on the minus strand). VCF-style: chr1-42733444-A-G. GRCh37 (hg19) VCF-style: chr1-43199115-A-G.
Other names: c.*2424T>C (NM_001123395.2); c.*2318T>C (NM_001185117.2).
Identifiers: ClinVar variation 297318 (VCV000297318.6), dbSNP rs56345167, ClinGen allele CA10611177.